The following is an entry in ClinVar:

NM_001365999.1(SZT2):c.3904C>T (p.Arg1302Trp)

Gene: SZT2 (SZT2 subunit of KICSTOR complex; plus strand). Cytogenetic location: 1p34.2.
Variant type: single nucleotide variant.
Coding change: c.3904C>T on transcript NM_001365999.1 (MANE Select); coding-DNA position 3904, C replaced by T.
Protein change: p.Arg1302Trp; replaces arginine 1302 with tryptophan.
Molecular consequence: missense variant.
Genome position (GRCh38, 1-based): chr1:43,428,103, C>T. VCF-style: chr1-43428103-C-T. GRCh37 (hg19) VCF-style: chr1-43893774-C-T.
Other names: c.3733C>T, p.Arg1245Trp (NM_015284.4); short protein forms R1245W, R1302W.
Identifiers: ClinVar variation 946409 (VCV000946409.7), dbSNP rs541175680, ClinGen allele CA21634891.

ClinVar aggregate classification (germline): Uncertain significance (1 of 4 stars; one submission).

Allele frequency attached by ClinVar (database versions not stated): gnomAD exomes below 0.00001 and 0.00001; gnomAD 0.00001 and 0.00002; TOPMed 0.00001.

Submission:

Labcorp Genetics (formerly Invitae), Labcorp
Classification: Uncertain significance. Last evaluated: 2022-04-28. Review status: criteria provided, single submitter. Criteria: Invitae Variant Classification Sherloc (09022015). Collection method: clinical testing. Allele origin: germline.
Comment: In summary, the available evidence is currently insufficient to determine the role of this variant in disease. Therefore, it has been classified as a Variant of Uncertain Significance. This sequence change replaces arginine, which is basic and polar, with tryptophan, which is neutral and slightly polar, at codon 1245 of the SZT2 protein (p.Arg1245Trp). This variant is present in population databases (rs541175680, gnomAD 0.004%). This variant has not been reported in the literature in individuals affected with SZT2-related conditions. ClinVar contains an entry for this variant (Variation ID: 946409). Algorithms developed to predict the effect of missense changes on protein structure and function are either unavailable or do not agree on the potential impact of this missense change (SIFT: "Deleterious"; PolyPhen-2: "Probably Damaging"; Align-GVGD: "Class C0").